The following is an entry in ClinVar:

ClinVar aggregate classification (germline): Benign (0 of 4 stars; one submission).

Conditions:
ZMYM6-related disorder. Also called: ZMYM6-related condition.

Allele frequency attached by ClinVar (database versions not stated): gnomAD exomes 0.00875; ExAC 0.02145; gnomAD 0.05711; ESP Exome Variant Server 0.05959; TOPMed 0.06381; 1000 Genomes Project 0.06669; 1000 Genomes Project 30x 0.07058.
gnomAD v4.1: 21,976 of 1,610,972 alleles (1.4%); highest among the groups gnomAD compares: African/African-American, 19%; 1,461 homozygotes.

Submission:

PreventionGenetics, part of Exact Sciences
Classification: Benign for ZMYM6-related condition. Last evaluated: 2019-04-11. Review status: no assertion criteria provided. Collection method: clinical testing. Allele origin: germline.
Comment: This variant is classified as benign based on ACMG/AMP sequence variant interpretation guidelines (Richards et al. 2015 PMID: 25741868, with internal and published modifications).

NM_007167.4(ZMYM6):c.1002A>G (p.Leu334=)

Gene: ZMYM6 (zinc finger MYM-type containing 6; minus strand). Cytogenetic location: 1p34.3.
Variant type: single nucleotide variant.
Coding change: c.1002A>G on transcript NM_007167.4 (MANE Select); coding-DNA position 1002, A replaced by G.
Protein change: p.Leu334=; no amino-acid change (leucine 334 retained).
Molecular consequence: synonymous variant.
Genome position (GRCh38, 1-based): chr1:35,011,950, T>C on the plus strand (A>G on the coding strand, the complement: ZMYM6 is on the minus strand). VCF-style: chr1-35011950-T-C. GRCh37 (hg19) VCF-style: chr1-35477551-T-C.
Identifiers: ClinVar variation 3056208 (VCV003056208.2), dbSNP rs35847987, ClinGen allele CA756617.